The following is an entry in ClinVar:

ClinVar aggregate classification (germline): Uncertain significance (1 of 4 stars; one submission).

Submission:

GeneDx
Classification: Uncertain significance. Last evaluated: 2021-04-27. Review status: criteria provided, single submitter. Criteria: GeneDx Variant Classification Process June 2021. Collection method: clinical testing. Allele origin: germline. Affected: yes.
Comment: Not observed in large population cohorts (Lek et al., 2016); In silico analysis supports a deleterious effect on splicing; Has not been previously published as pathogenic or benign to our knowledge

NM_022552.5(DNMT3A):c.178-9C>G

Gene: DNMT3A (DNA methyltransferase 3 alpha; minus strand). Cytogenetic location: 2p23.3.
Variant type: single nucleotide variant.
Coding change: c.178-9C>G on transcript NM_022552.5 (MANE Select); 9 bases into the intron before coding-DNA position 178, C replaced by G.
Molecular consequence: intron variant.
Genome position (GRCh38, 1-based): chr2:25,282,720, G>C on the plus strand (C>G on the coding strand, the complement: DNMT3A is on the minus strand). VCF-style: chr2-25282720-G-C. GRCh37 (hg19) VCF-style: chr2-25505589-G-C.
Other names: c.178-9C>G (NM_175629.2, NM_175630.1, NM_001320892.2).
Identifiers: ClinVar variation 1317320 (VCV001317320.2), dbSNP rs371732107, ClinGen allele CA2573051909.